The following is an entry in ClinVar:

NM_000059.4(BRCA2):c.9139C>T (p.Gln3047Ter)

Gene: BRCA2 (BRCA2 DNA repair associated; plus strand). Cytogenetic location: 13q13.1.
Variant type: single nucleotide variant.
Coding change: c.9139C>T on transcript NM_000059.4 (MANE Select); coding-DNA position 9139, C replaced by T.
Protein change: p.Gln3047Ter; replaces glutamine 3047 with a stop codon.
Molecular consequence: nonsense.
Genome position (GRCh38, 1-based): chr13:32,380,028, C>T. VCF-style: chr13-32380028-C-T. GRCh37 (hg19) VCF-style: chr13-32954165-C-T.
Other names: 9367C>T; short protein forms Q3047*.
Identifiers: ClinVar variation 267142 (VCV000267142.7), dbSNP rs886040822, ClinGen allele CA10589550.

ClinVar aggregate classification (germline): Pathogenic. Review status: reviewed by expert panel (3 of 4 stars). 2 submissions from 2 submitters: Pathogenic (1). 1 of the submissions does not count toward it. Last evaluated 2016-10-18.

Conditions:
Breast-ovarian cancer, familial, susceptibility to, 2 (BROVCA2). Also called: BRCA2 Hereditary Breast and Ovarian Cancer. Identifiers: Orphanet 145, MedGen C2675520, MONDO:0012933, OMIM 612555. Disease mechanism: loss of function.

Submissions (2):

Evidence-based Network for the Interpretation of Germline Mutant Alleles (ENIGMA)
Classification: Pathogenic for Breast-ovarian cancer, familial, susceptibility to, 2. Last evaluated: 2016-10-18. Review status: reviewed by expert panel. Criteria: ENIGMA BRCA1/2 Classification Criteria (2015). Collection method: curation. Allele origin: germline.
Comment: Variant allele predicted to encode a truncated non-functional protein.

Consortium of Investigators of Modifiers of BRCA1/2 (CIMBA), c/o University of Cambridge
Classification: Pathogenic for Breast-ovarian cancer, familial, susceptibility to, 2. Last evaluated: 2015-10-02. Review status: criteria provided, single submitter. Criteria: CIMBA Mutation Classification guidelines May 2016. Collection method: clinical testing. Allele origin: germline. Not counted in ClinVar's aggregate classification.